The following is an entry in ClinVar:

NM_000038.6(APC):c.984T>C (p.Asp328=)

Gene: APC (APC regulator of Wnt signaling pathway; plus strand). Cytogenetic location: 5q22.2.
Variant type: single nucleotide variant.
Coding change: c.984T>C on transcript NM_000038.6 (MANE Select); coding-DNA position 984, T replaced by C.
Protein change: p.Asp328=; no amino-acid change (aspartic acid 328 retained).
Molecular consequence: synonymous variant. On other transcripts: non-coding transcript variant (2), intron variant (15).
Genome position (GRCh38, 1-based): chr5:112,819,016, T>C. VCF-style: chr5-112819016-T-C. GRCh37 (hg19) VCF-style: chr5-112154713-T-C.
Other names: c.807T>C, p.Asp269= (NM_001354901.2, NM_001407453.1, NM_001354900.2); c.135T>C, p.Asp45= (NM_001354906.2, NM_001407470.1); c.1014T>C, p.Asp338= (NM_001407446.1, NM_001354897.2); c.984T>C, p.Asp328= (NM_001407447.1, NM_001407448.1, NM_001407449.1 and 4 more transcripts); c.909T>C, p.Asp303= (NM_001407451.1, NM_001354898.2); c.900T>C, p.Asp300= (NM_001407452.1, NM_001354899.2); c.85-253T>C (NM_001407472.1, NM_001407471.1); c.934-253T>C (NM_001407456.1, NM_001407460.1, NM_001407457.1 and 5 more transcripts); and 5 more.
Identifiers: ClinVar variation 3148091 (VCV003148091.2), dbSNP rs2149779362, ClinGen allele CA445755770.
Genomic context (GRCh38, chr5:112,819,016, plus strand): 5'-TGGCCCACAGGTGGAAATGGTGTATTCATTGTTGTCAATGCTTGGTACTCATGATAAGGA[T>C]GATATGTCGCGAACTTTGCTAGCTATGTCTAGCTCCCAAGACAGCTGTATATCCATGCGA-3'
Protein context (NP_000029.2, residues 318-338): LLSMLGTHDK[Asp328=]DMSRTLLAMS

ClinVar aggregate classification (germline): Benign/Likely benign. Review status: criteria provided, multiple submitters, no conflicts (2 of 4 stars). 2 submissions from 2 submitters: Benign (1); Likely benign (1). Last evaluated 2024-02-29.

Conditions:
Familial adenomatous polyposis 1 (FAP1). Also called: POLYPOSIS, ADENOMATOUS INTESTINAL; FAMILIAL ADENOMATOUS POLYPOSIS 1, ATTENUATED. Identifiers: MedGen C2713442, MONDO:0021056, OMIM 175100. Disease mechanism: loss of function.
Hereditary cancer-predisposing syndrome. Also called: Neoplastic Syndromes, Hereditary; Tumor predisposition; Hereditary neoplastic syndrome; Hereditary Cancer Syndrome. Identifiers: Orphanet 140162, MedGen C0027672, MeSH D009386, MONDO:0015356.

Submissions (2):

Myriad Genetics, Inc.
Classification: Benign for Familial adenomatous polyposis 1. Last evaluated: 2024-02-29. Review status: criteria provided, single submitter. Criteria: Myriad Autosomal Dominant, Autosomal Recessive and X-Linked Classification Criteria (2023). Collection method: clinical testing. Allele origin: unknown.
Comment: This variant is considered benign. This variant is a silent/synonymous amino acid change and it is not expected to impact splicing.

Color Diagnostics, LLC DBA Color Health
Classification: Likely benign for Hereditary cancer-predisposing syndrome. Last evaluated: 2024-01-02. Review status: criteria provided, single submitter. Criteria: ACMG Guidelines, 2015. Collection method: clinical testing. Allele origin: germline.